The following is an entry in ClinVar:

ClinVar aggregate classification (germline): Uncertain significance. Review status: criteria provided, multiple submitters, no conflicts (2 of 4 stars). 6 submissions from 4 submitters: Uncertain significance (6). Last evaluated 2025-09-15.

Conditions:
Retinitis pigmentosa 12 (RP12). Also called: RP WITH OR WITHOUT PRESERVED PARAARTERIOLE RETINAL PIGMENT EPITHELIUM; RETINITIS PIGMENTOSA WITH OR WITHOUT PARAARTERIOLAR PRESERVATION OF RETINAL PIGMENT EPITHELIUM; RP WITH OR WITHOUT PPRPE. Identifiers: Orphanet 791, MedGen C1838647, MONDO:0010818, OMIM 600105.
Leber congenital amaurosis 8 (LCA8). Identifiers: Orphanet 65, MedGen C3151202, MONDO:0013453, OMIM 613835.
Inborn genetic diseases. Identifiers: MedGen C0950123, MeSH D030342.
CRB1-related disorder. Also called: CRB1-related disorders; CRB1-related condition.
Pigmented paravenous retinochoroidal atrophy. Identifiers: Orphanet 251295, MedGen C1868310, MONDO:0008246, OMIM 172870.

Allele frequency attached by ClinVar (database versions not stated): gnomAD exomes 0.00001; TOPMed 0.00005; ExAC 0.00007; gnomAD 0.00008; 1000 Genomes Project 0.00020; 1000 Genomes Project 30x 0.00031.
gnomAD v4.1: 34 of 1,613,946 alleles (0.0021%); highest among the groups gnomAD compares: African/African-American, 0.011%; no homozygotes.

Submissions (6):

PreventionGenetics, part of Exact Sciences
Classification: Uncertain significance for CRB1-related condition. Last evaluated: 2025-09-15. Review status: criteria provided, single submitter. Criteria: ACMG Guidelines, 2015. Collection method: clinical testing. Allele origin: germline.
Comment: The CRB1 c.2806G>A variant is predicted to result in the amino acid substitution p.Gly936Arg. To our knowledge, this variant has not been reported in the literature. This variant is reported in 0.012% of alleles in individuals of African descent in gnomAD. At this time, the clinical significance of this variant is uncertain due to the absence of conclusive functional and genetic evidence.

Ambry Genetics
Classification: Uncertain significance for Inborn genetic diseases. Last evaluated: 2025-08-04. Review status: criteria provided, single submitter. Criteria: Ambry Variant Classification Scheme 2023. Collection method: clinical testing. Allele origin: germline.

Genome-Nilou Lab
Classification: Uncertain significance for Leber congenital amaurosis 8. Last evaluated: 2023-04-11. Review status: criteria provided, single submitter. Criteria: ACMG Guidelines, 2015. Collection method: clinical testing. Allele origin: germline. Affected: no.

Genome-Nilou Lab
Classification: Uncertain significance for Pigmented paravenous retinochoroidal atrophy. Last evaluated: 2023-04-11. Review status: criteria provided, single submitter. Criteria: ACMG Guidelines, 2015. Collection method: clinical testing. Allele origin: germline. Affected: no.

Genome-Nilou Lab
Classification: Uncertain significance for Retinitis pigmentosa 12. Last evaluated: 2023-04-11. Review status: criteria provided, single submitter. Criteria: ACMG Guidelines, 2015. Collection method: clinical testing. Allele origin: germline. Affected: no.

Labcorp Genetics (formerly Invitae), Labcorp
Classification: Uncertain significance for Leber congenital amaurosis 8; Retinitis pigmentosa 12. Last evaluated: 2022-10-05. Review status: criteria provided, single submitter. Criteria: Invitae Variant Classification Sherloc (09022015). Collection method: clinical testing. Allele origin: germline.
Comment: This sequence change replaces glycine, which is neutral and non-polar, with arginine, which is basic and polar, at codon 936 of the CRB1 protein (p.Gly936Arg). This variant is present in population databases (rs181410446, gnomAD 0.01%). This variant has not been reported in the literature in individuals affected with CRB1-related conditions. Advanced modeling of protein sequence and biophysical properties (such as structural, functional, and spatial information, amino acid conservation, physicochemical variation, residue mobility, and thermodynamic stability) performed at Invitae indicates that this missense variant is expected to disrupt CRB1 protein function. Algorithms developed to predict the effect of sequence changes on RNA splicing suggest that this variant may create or strengthen a splice site. In summary, the available evidence is currently insufficient to determine the role of this variant in disease. Therefore, it has been classified as a Variant of Uncertain Significance.

NM_201253.3(CRB1):c.2806G>A (p.Gly936Arg)

Gene: CRB1 (crumbs cell polarity complex component 1; plus strand). Cytogenetic location: 1q31.3.
Variant type: single nucleotide variant.
Coding change: c.2806G>A on transcript NM_201253.3 (MANE Select); coding-DNA position 2806, G replaced by A.
Protein change: p.Gly936Arg; replaces glycine 936 with arginine.
Molecular consequence: missense variant. On other transcripts: non-coding transcript variant (2), intron variant (1).
Genome position (GRCh38, 1-based): chr1:197,429,578, G>A. VCF-style: chr1-197429578-G-A. GRCh37 (hg19) VCF-style: chr1-197398708-G-A.
Other names: c.2806G>A (NM_201253.2); c.2470G>A, p.Gly824Arg (NM_001193640.2); c.2734G>A, p.Gly912Arg (NM_001257965.2); c.2129-6022G>A (NM_001257966.2); short protein forms G912R, G824R, G936R.
Identifiers: ClinVar variation 2067885 (VCV002067885.6), dbSNP rs181410446, ClinGen allele CA1312209.